The following is an entry in ClinVar:

NM_000553.6(WRN):c.75A>G (p.Arg25=)

Gene: WRN (WRN RecQ like helicase; plus strand). Cytogenetic location: 8p12.
Variant type: single nucleotide variant.
Coding change: c.75A>G on transcript NM_000553.6 (MANE Select); coding-DNA position 75, A replaced by G.
Protein change: p.Arg25=; no amino-acid change (arginine 25 retained).
Molecular consequence: synonymous variant.
Genome position (GRCh38, 1-based): chr8:31,058,522, A>G. VCF-style: chr8-31058522-A-G. GRCh37 (hg19) VCF-style: chr8-30916038-A-G.
Identifiers: ClinVar variation 458499 (VCV000458499.35), dbSNP rs150524008, ClinGen allele CA4703963.

ClinVar aggregate classification (germline): Likely benign. Review status: criteria provided, multiple submitters, no conflicts (2 of 4 stars). 3 submissions from 3 submitters: Likely benign (3). Last evaluated 2026-05-01.

Conditions:
Wiskott-Aldrich syndrome (WAS). Also called: ALDRICH SYNDROME; IMMUNODEFICIENCY 2; WISKOTT-ALDRICH SYNDROME 1; Wiskott-aldrich syndrome, somatic. Identifiers: Orphanet 906, MedGen C0043194, MONDO:0010518, OMIM 301000.
Werner syndrome (WRN). Identifiers: Orphanet 902, MedGen C0043119, MONDO:0010196, OMIM 277700.

Allele frequency attached by ClinVar (database versions not stated): 1000 Genomes Project 0.00100; 1000 Genomes Project 30x 0.00109; gnomAD 0.00006 and 0.00010; gnomAD exomes 0.00006 and 0.00016; TOPMed 0.00007; ESP Exome Variant Server 0.00008; ExAC 0.00013.
gnomAD v4.1: 108 of 1,613,826 alleles (0.0067%); highest among the groups gnomAD compares: East Asian, 0.083%; no homozygotes.

Submissions (3):

CeGaT Center for Human Genetics Tuebingen
Classification: Likely benign. Last evaluated: 2026-05-01. Review status: criteria provided, single submitter. Criteria: CeGaT Center For Human Genetics Tuebingen Variant Classification Criteria Version 2. Collection method: clinical testing. Allele origin: germline. Affected: yes. Observed: 5 variant alleles.
Comment: WRN: BP4, BP7

Labcorp Genetics (formerly Invitae), Labcorp
Classification: Likely benign for Werner syndrome. Last evaluated: 2026-01-19. Review status: criteria provided, single submitter. Criteria: Invitae Variant Classification Sherloc (09022015). Collection method: clinical testing. Allele origin: germline.

KCCC/NGS Laboratory, Kuwait Cancer Control Center
Classification: Likely benign for Wiskott-Aldrich syndrome. Last evaluated: 2023-07-07. Review status: criteria provided, single submitter. Criteria: ACMG Guidelines, 2015. Collection method: clinical testing. Allele origin: germline. Affected: yes.